The following is an entry in ClinVar:

ClinVar aggregate classification (germline): Likely benign. Review status: reviewed by expert panel (3 of 4 stars). 7 submissions from 7 submitters: Likely benign (1). 6 of the submissions do not count toward it. Last evaluated 2026-01-23.

Conditions:
Autosomal recessive limb-girdle muscular dystrophy. Identifiers: Orphanet 102015, MedGen C2931907, MONDO:0015152.
Neuromuscular disease caused by qualitative or quantitative defects of dysferlin. Also called: Dysferlinopathy; Qualitative or quantitative defects of dysferlin. Identifiers: Orphanet 207073, MedGen C2931687, MONDO:0016145.
Autosomal recessive limb-girdle muscular dystrophy type 2B (LGMDR2). Also called: MUSCULAR DYSTROPHY, LIMB-GIRDLE, TYPE 3; Limb-Girdle Muscular Dystrophy Type 2B (LGMD2B); Limb-girdle muscular dystrophy, type 2B; MUSCULAR DYSTROPHY, LIMB-GIRDLE, AUTOSOMAL RECESSIVE 2. Identifiers: Orphanet 268, MedGen C1850889, MONDO:0009676, OMIM 253601.

Allele frequency attached by ClinVar (database versions not stated): gnomAD 0.00005 and 0.00012; TOPMed 0.00005; gnomAD exomes 0.00018 and 0.00020; ExAC 0.00020; 1000 Genomes Project 30x 0.00047; 1000 Genomes Project 0.00060.
gnomAD v4.1: 282 of 1,614,028 alleles (0.017%); highest among the groups gnomAD compares: South Asian, 0.18%; 4 homozygotes.

Submissions (7):

ClinGen Limb Girdle Muscular Dystrophy Variant Curation Expert Panel, ClinGen
Classification: Likely benign for Autosomal recessive limb-girdle muscular dystrophy. Last evaluated: 2026-01-23. Review status: reviewed by expert panel. Criteria: ClinGen LGMD VCEP ACMG Specifications DYSF V2.0.0. Collection method: curation. Allele origin: germline. Inheritance: Autosomal recessive inheritance.
Comment: The NM_003494.4: c.3060G>A p.(Pro1020=) variant in DYSF, which is also known as NM_001130987.2: c.3114G>A p.(Pro1038=), is a synonymous (silent) variant that is not located in a splice region (outside of the first and the last 3 bases of the exon). This variant was detected in a heterozygous state in one individual with suspected LGMD and disease range dysferlin expression. This individual also had two additional variants in DYSF in unknown phase (PM3 and BP2 not met; PMID: 30564623, LOVD Individual #00222264; Jain Foundation Dysferlin Registry internal data communication). The filtering allele frequency for this variant is 0.001555 in gnomAD v4.1.0 (the lower threshold of the 95% CI of 162/91072 South Asian chromosomes), which is higher than the VCEP threshold of 0.001 (BS1). The SpliceAI prediction score for this variant is 0.17, which is greater than the VCEP threshold of <0.05 (BP4 not met). In summary, this variant meets the criteria to be classified as Likely Benign for autosomal recessive limb girdle muscular dystrophy based on the ACMG/AMP criteria applied, as specified by the ClinGen LGMD VCEP (specifications v2.0.0; 01/23/2026): BS1.

Labcorp Genetics (formerly Invitae), Labcorp
Classification: Likely benign for Neuromuscular disease caused by qualitative or quantitative defects of dysferlin. Last evaluated: 2026-01-29. Review status: criteria provided, single submitter. Criteria: Invitae Variant Classification Sherloc (09022015). Collection method: clinical testing. Allele origin: germline. Not counted in ClinVar's aggregate classification.

Blueprint Genetics
Classification: Likely benign. Last evaluated: 2024-08-29. Review status: criteria provided, single submitter. Criteria: ACMG Guidelines, 2015. Collection method: clinical testing. Allele origin: germline. Not counted in ClinVar's aggregate classification.

Illumina Laboratory Services, Illumina
Classification: Uncertain significance for Qualitative or quantitative defects of dysferlin. Last evaluated: 2018-01-13. Review status: criteria provided, single submitter. Criteria: ICSL Variant Classification Criteria 13 December 2019. Collection method: clinical testing. Allele origin: germline. Not counted in ClinVar's aggregate classification.

Eurofins Ntd Llc (ga)
Classification: Uncertain significance. Last evaluated: 2013-05-28. Review status: criteria provided, single submitter. Criteria: EGL Classification Definitions 2015. Collection method: clinical testing. Allele origin: germline. Observed: 4 variant alleles, 4 heterozygotes. Not counted in ClinVar's aggregate classification.

Natera, Inc.
Classification: Likely benign for Limb-girdle muscular dystrophy type 2B. Last evaluated: 2020-09-16. Review status: no assertion criteria provided. Collection method: clinical testing. Allele origin: germline. Not counted in ClinVar's aggregate classification.

Counsyl
Classification: Likely benign for Autosomal recessive limb-girdle muscular dystrophy type 2B. Last evaluated: 2017-04-04. Review status: no assertion criteria provided. Collection method: clinical testing. Allele origin: unknown. Not counted in ClinVar's aggregate classification.

NM_001130987.2(DYSF):c.3114G>A (p.Pro1038=)

Gene: DYSF (dysferlin; plus strand). Cytogenetic location: 2p13.2.
Variant type: single nucleotide variant.
Coding change: c.3114G>A on transcript NM_001130987.2 (MANE Select); coding-DNA position 3114, G replaced by A.
Protein change: p.Pro1038=; no amino-acid change (proline 1038 retained).
Molecular consequence: synonymous variant.
Genome position (GRCh38, 1-based): chr2:71,570,627, G>A. VCF-style: chr2-71570627-G-A. GRCh37 (hg19) VCF-style: chr2-71797757-G-A.
Other names: NM_001130987.2(DYSF):c.3114G>A; p.Pro1038=; c.3063G>A, p.Pro1021= (NM_001130455.2, NM_001130983.2); c.3018G>A, p.Pro1006= (NM_001130976.2, NM_001130977.2); c.3060G>A, p.Pro1020= (NM_001130978.2, NM_003494.4); c.3153G>A, p.Pro1051= (NM_001130979.2); c.3111G>A, p.Pro1037= (NM_001130980.2, NM_001130981.2); c.3156G>A, p.Pro1052= (NM_001130982.2); and 2 more.
Identifiers: ClinVar variation 94299 (VCV000094299.25), dbSNP rs398123778, ClinGen allele CA222150.